The following is an entry in ClinVar:

ClinVar aggregate classification (germline): Uncertain significance. Review status: criteria provided, multiple submitters, no conflicts (2 of 4 stars). 2 submissions from 2 submitters: Uncertain significance (2). Last evaluated 2023-11-20.

Conditions:
Marfan syndrome (MFS). Also called: FBN1-Related Marfan Syndrome; MARFAN SYNDROME, TYPE I; Marfan syndrome type 1; Marfan's syndrome; Marfan syndrome, classic. Identifiers: Orphanet 284963, Orphanet 558, MedGen C0024796, MONDO:0007947, OMIM 154700.
Familial thoracic aortic aneurysm and aortic dissection (TAAD). Also called: Thoracic aortic aneurysms and dissections. Identifiers: Orphanet 91387, MedGen C4707243, MONDO:0019625.

Allele frequency attached by ClinVar (database versions not stated): gnomAD exomes below 0.00001.
gnomAD v4.1: 1 of 1,614,022 alleles (0.000062%); highest among the groups gnomAD compares: Non-Finnish European, 0.000085%; no homozygotes.

Submissions (2):

All of Us Research Program, National Institutes of Health
Classification: Uncertain significance for Marfan syndrome. Last evaluated: 2023-11-20. Review status: criteria provided, single submitter. Criteria: ACMG Guidelines, 2015. Collection method: clinical testing. Allele origin: germline. Inheritance: Autosomal dominant inheritance. Observed: 1 variant allele, 1 heterozygote.
Comment: This missense variant replaces proline with arginine at codon 1540 of the FBN1 protein. Computational prediction is inconclusive regarding the impact of this variant on protein structure and function (internally defined REVEL score threshold 0.5 < inconclusive < 0.7, PMID: 27666373). To our knowledge, functional studies have not been reported for this variant. This variant has not been reported in individuals affected with FBN1-related disorders in the literature. This variant has not been identified in the general population by the Genome Aggregation Database (gnomAD). The available evidence is insufficient to determine the role of this variant in disease conclusively. Therefore, this variant is classified as a Variant of Uncertain Significance.

This study involves interpretation of variants in research participants for the purpose of population health screening. Participant phenotype was not available at the time of variant classification. Additional details can be found in publication PMID: 35346344, PMCID: PMC8962531

Labcorp Genetics (formerly Invitae), Labcorp
Classification: Uncertain significance for Marfan syndrome; Familial thoracic aortic aneurysm and aortic dissection. Last evaluated: 2022-11-20. Review status: criteria provided, single submitter. Criteria: Invitae Variant Classification Sherloc (09022015). Collection method: clinical testing. Allele origin: germline.
Comment: In summary, the available evidence is currently insufficient to determine the role of this variant in disease. Therefore, it has been classified as a Variant of Uncertain Significance. Advanced modeling of protein sequence and biophysical properties (such as structural, functional, and spatial information, amino acid conservation, physicochemical variation, residue mobility, and thermodynamic stability) has been performed at Invitae for this missense variant, however the output from this modeling did not meet the statistical confidence thresholds required to predict the impact of this variant on FBN1 protein function. ClinVar contains an entry for this variant (Variation ID: 1025849). This variant has not been reported in the literature in individuals affected with FBN1-related conditions. This variant is not present in population databases (gnomAD no frequency). This sequence change replaces proline, which is neutral and non-polar, with arginine, which is basic and polar, at codon 1540 of the FBN1 protein (p.Pro1540Arg).

NM_000138.5(FBN1):c.4619C>G (p.Pro1540Arg)

Gene: FBN1 (fibrillin 1; minus strand). Cytogenetic location: 15q21.1.
Variant type: single nucleotide variant.
Coding change: c.4619C>G on transcript NM_000138.5 (MANE Select); coding-DNA position 4619, C replaced by G.
Protein change: p.Pro1540Arg; replaces proline 1540 with arginine.
Molecular consequence: missense variant.
Genome position (GRCh38, 1-based): chr15:48,468,066, G>C on the plus strand (C>G on the coding strand, the complement: FBN1 is on the minus strand). VCF-style: chr15-48468066-G-C. GRCh37 (hg19) VCF-style: chr15-48760263-G-C.
Other names: short protein forms P1540R.
Identifiers: ClinVar variation 1025849 (VCV001025849.9), dbSNP rs2043337860, ClinGen allele CA392353112.